The following is an entry in ClinVar:

NM_201384.3(PLEC):c.4225G>T (p.Val1409Leu)

Gene: PLEC (plectin; minus strand). Cytogenetic location: 8q24.3.
Variant type: single nucleotide variant.
Coding change: c.4225G>T on transcript NM_201384.3 (MANE Select); coding-DNA position 4225, G replaced by T.
Protein change: p.Val1409Leu; replaces valine 1409 with leucine.
Molecular consequence: missense variant. On other transcripts: intron variant (1).
Genome position (GRCh38, 1-based): chr8:143,925,704, C>A on the plus strand (G>T on the coding strand, the complement: PLEC is on the minus strand). VCF-style: chr8-143925704-C-A. GRCh37 (hg19) VCF-style: chr8-144999872-C-A.
Other names: c.4237G>T, p.Val1413Leu (NM_201383.3); c.4125+1080G>T (NM_001410941.1); c.4306G>T, p.Val1436Leu (NM_000445.5); c.4183G>T, p.Val1395Leu (NM_201378.4); c.4159G>T, p.Val1387Leu (NM_201379.3); c.4636G>T, p.Val1546Leu (NM_201380.4); c.4129G>T, p.Val1377Leu (NM_201381.3); c.4225G>T, p.Val1409Leu (NM_201382.4); short protein forms V1395L, V1377L, V1387L, V1413L, V1409L, V1436L, V1546L.
Identifiers: ClinVar variation 2922119 (VCV002922119.3), dbSNP rs1195690468, ClinGen allele CA372560311.

ClinVar aggregate classification (germline): Uncertain significance (1 of 4 stars; one submission).

Conditions:
Epidermolysis bullosa simplex with nail dystrophy (EBS5D). Identifiers: MedGen C4225309, MONDO:0014661, OMIM 616487.
Epidermolysis bullosa simplex, Ogna type (EBS5A). Also called: EPIDERMOLYSIS BULLOSA SIMPLEX 5A, OGNA TYPE; Pidermolysis bullosa simplex 5A, Ogna type. Identifiers: Orphanet 79401, MedGen C0432317, MONDO:0007555, OMIM 131950.
Epidermolysis bullosa simplex 5C, with pyloric atresia (EBS5C). Also called: PLEC1-Related Epidermolysis Bullosa with Pyloric Atresia; PLEC-Related Epidermolysis Bullosa with Pyloric Atresia; Epidermolysis bullosa simplex with pyloric atresia. Identifiers: Orphanet 158684, MedGen C2677349, MONDO:0012807, OMIM 612138.
Autosomal recessive limb-girdle muscular dystrophy type 2Q (LGMDR17). Also called: MUSCULAR DYSTROPHY, LIMB-GIRDLE, AUTOSOMAL RECESSIVE 17. Identifiers: Orphanet 254361, MedGen C3150989, MONDO:0013390, OMIM 613723.
Epidermolysis bullosa simplex 5B, with muscular dystrophy (EBS5B). Also called: EPIDERMOLYSIS BULLOSA SIMPLEX AND LIMB-GIRDLE MUSCULAR DYSTROPHY; Epidermolysis bullosa simplex with muscular dystrophy. Identifiers: Orphanet 257, MedGen C2931072, MONDO:0009181, OMIM 226670.

Allele frequency attached by ClinVar (database versions not stated): TOPMed below 0.00001; gnomAD 0.00001.
gnomAD v4.1: 1 of 1,592,234 alleles (0.000063%); highest among the groups gnomAD compares: Non-Finnish European, 0.000085%; no homozygotes.

Submission:

Labcorp Genetics (formerly Invitae), Labcorp
Classification: Uncertain significance for Autosomal recessive limb-girdle muscular dystrophy type 2Q; Epidermolysis bullosa simplex, Ogna type; Epidermolysis bullosa simplex with nail dystrophy; Epidermolysis bullosa simplex 5C, with pyloric atresia; Epidermolysis bullosa simplex 5B, with muscular dystrophy. Last evaluated: 2025-08-18. Review status: criteria provided, single submitter. Criteria: Invitae Variant Classification Sherloc (09022015). Collection method: clinical testing. Allele origin: germline.
Comment: This sequence change replaces valine, which is neutral and non-polar, with leucine, which is neutral and non-polar, at codon 1436 of the PLEC protein (p.Val1436Leu). This variant is not present in population databases (gnomAD no frequency). This variant has not been reported in the literature in individuals affected with PLEC-related conditions. ClinVar contains an entry for this variant (Variation ID: 2922119). Experimental studies and prediction algorithms are not available or were not evaluated, and the functional significance of this variant is currently unknown. In summary, the available evidence is currently insufficient to determine the role of this variant in disease. Therefore, it has been classified as a Variant of Uncertain Significance.